The following is an entry in ClinVar:

ClinVar aggregate classification (germline): Uncertain significance (0 of 4 stars; one submission).

Submission:

Martin Pollak Laboratory,  Beth Israel Deaconess Medical Center
Classification: Uncertain significance. Review status: no assertion criteria provided. Collection method: not provided. Allele origin: unknown.
Comment: Lower and higher UCa2+ groups
ClinVar note: Converted during submission from unknown to Uncertain significance.

NM_003052.5(SLC34A1):c.1432T>C (p.Phe478Leu)

Gene: SLC34A1 (solute carrier family 34 member 1; plus strand). Cytogenetic location: 5q35.3.
Variant type: single nucleotide variant.
Coding change: c.1432T>C on transcript NM_003052.5 (MANE Select); coding-DNA position 1432, T replaced by C.
Protein change: p.Phe478Leu; replaces phenylalanine 478 with leucine.
Molecular consequence: missense variant.
Genome position (GRCh38, 1-based): chr5:177,397,798, T>C. VCF-style: chr5-177397798-T-C. GRCh37 (hg19) VCF-style: chr5-176824799-T-C.
Other names: short protein forms F478L.
Identifiers: ClinVar variation 64520 (VCV000064520.2), dbSNP rs387907506, ClinGen allele CA025514.